The following is an entry in ClinVar:

NM_001127178.3(PIGG):c.2616C>T (p.Phe872=)

Gene: PIGG (phosphatidylinositol glycan anchor biosynthesis class G (EMM blood group); plus strand). Cytogenetic location: 4p16.3.
Variant type: single nucleotide variant.
Coding change: c.2616C>T on transcript NM_001127178.3 (MANE Select); coding-DNA position 2616, C replaced by T.
Protein change: p.Phe872=; no amino-acid change (phenylalanine 872 retained).
Molecular consequence: synonymous variant. On other transcripts: non-coding transcript variant (10).
Genome position (GRCh38, 1-based): chr4:533,862, C>T. VCF-style: chr4-533862-C-T. GRCh37 (hg19) VCF-style: chr4-527651-C-T.
Other names: c.2349C>T, p.Phe783= (NM_001289051.2, NM_001345986.2); c.2217C>T, p.Phe739= (NM_001289052.2); c.2325C>T, p.Phe775= (NM_001345987.2); c.1587C>T, p.Phe529= (NM_001345988.2); c.1083C>T, p.Phe361= (NM_001345990.2, NM_001345991.2); c.1518C>T, p.Phe506= (NM_001345994.2); c.2592C>T, p.Phe864= (NM_017733.5).
Identifiers: ClinVar variation 751971 (VCV000751971.16), dbSNP rs764023905, ClinGen allele CA2793695.

ClinVar aggregate classification (germline): Likely benign. Review status: criteria provided, multiple submitters, no conflicts (2 of 4 stars). 2 submissions from 2 submitters: Likely benign (2). Last evaluated 2025-09-01.

Conditions:
Intellectual disability, autosomal recessive 53 (NEDHSCA). Also called: GLYCOSYLPHOSPHATIDYLINOSITOL BIOSYNTHESIS DEFECT 13; Mental retardation, autosomal recessive 53; NEURODEVELOPMENTAL DISORDER WITH OR WITHOUT HYPOTONIA, SEIZURES, AND CEREBELLAR ATROPHY. Identifiers: Orphanet 488635, MedGen C4310794, MONDO:0014832, OMIM 616917.

Allele frequency attached by ClinVar (database versions not stated): ExAC 0.00003; TOPMed 0.00007.
gnomAD v4.1: 46 of 1,614,090 alleles (0.0028%); highest among the groups gnomAD compares: East Asian, 0.025%; no homozygotes.

Submissions (2):

CeGaT Center for Human Genetics Tuebingen
Classification: Likely benign. Last evaluated: 2025-09-01. Review status: criteria provided, single submitter. Criteria: CeGaT Center For Human Genetics Tuebingen Variant Classification Criteria Version 2. Collection method: clinical testing. Allele origin: germline. Affected: yes. Observed: 1 variant allele.
Comment: PIGG: BP4, BP7

Labcorp Genetics (formerly Invitae), Labcorp
Classification: Likely benign for Intellectual disability, autosomal recessive 53. Last evaluated: 2025-06-11. Review status: criteria provided, single submitter. Criteria: Invitae Variant Classification Sherloc (09022015). Collection method: clinical testing. Allele origin: germline.